The following is an entry in ClinVar:

NM_000526.5(KRT14):c.1235T>C (p.Ile412Thr)

Gene: KRT14 (keratin 14; minus strand). Cytogenetic location: 17q21.2.
Variant type: single nucleotide variant.
Coding change: c.1235T>C on transcript NM_000526.5 (MANE Select); coding-DNA position 1235, T replaced by C.
Protein change: p.Ile412Thr; replaces isoleucine 412 with threonine.
Molecular consequence: missense variant.
Genome position (GRCh38, 1-based): chr17:41,583,274, A>G on the plus strand (T>C on the coding strand, the complement: KRT14 is on the minus strand). VCF-style: chr17-41583274-A-G. GRCh37 (hg19) VCF-style: chr17-39739526-A-G.
Other names: short protein forms I412T.
Identifiers: ClinVar variation 3340854 (VCV003340854.1).

ClinVar aggregate classification (germline): Pathogenic (1 of 4 stars; one submission).

Submission:

GeneDx
Classification: Pathogenic. Last evaluated: 2023-06-26. Review status: criteria provided, single submitter. Criteria: GeneDx Variant Classification Process June 2021. Collection method: clinical testing. Allele origin: germline. Affected: yes.
Comment: Identified in an additional patient reported to have autosomal dominant EBS in published literature (Savostyanov et al., 2022), however, clinical details were not provided; Located in the highly conserved helix termination motif of the alpha-helical rod domain, which is intolerant to change; variants in this motif interfere with proper keratin intermediate filament assembly and function, resulting in skin fragility and/or hyperkeratosis (Chamcheu et al., 2011); Not observed at significant frequency in large population cohorts (gnomAD); In silico analysis supports that this missense variant has a deleterious effect on protein structure/function; This variant is associated with the following publications: (PMID: 21176769, 29095814, 36430820)